The following is an entry in ClinVar:

ClinVar aggregate classification (germline): Uncertain significance (1 of 4 stars; one submission).

Submission:

CeGaT Center for Human Genetics Tuebingen
Classification: Uncertain significance. Last evaluated: 2025-02-01. Review status: criteria provided, single submitter. Criteria: CeGaT Center For Human Genetics Tuebingen Variant Classification Criteria Version 2. Collection method: clinical testing. Allele origin: germline. Affected: yes. Observed: 1 variant allele.
Comment: ARID1A: PM2, PS2:Moderate

NM_006015.6(ARID1A):c.407C>A (p.Pro136His)

Gene: ARID1A (AT-rich interaction domain 1A; plus strand). Cytogenetic location: 1p36.11.
Variant type: single nucleotide variant.
Coding change: c.407C>A on transcript NM_006015.6 (MANE Select); coding-DNA position 407, C replaced by A.
Protein change: p.Pro136His; replaces proline 136 with histidine.
Molecular consequence: missense variant.
Genome position (GRCh38, 1-based): chr1:26,696,810, C>A. VCF-style: chr1-26696810-C-A. GRCh37 (hg19) VCF-style: chr1-27023301-C-A.
Other names: c.407C>A, p.Pro136His (NM_139135.4); short protein forms P136H.
Identifiers: ClinVar variation 3772629 (VCV003772629.13).